The following is an entry in ClinVar:

ClinVar aggregate classification (germline): Uncertain significance (1 of 4 stars; one submission).

Conditions:
TSHZ1-related disorder. Also called: TSHZ1-related condition.

Allele frequency attached by ClinVar (database versions not stated): gnomAD 0.00001; gnomAD exomes 0.00001; ExAC 0.00002.
gnomAD v4.1: 10 of 1,613,970 alleles (0.00062%); highest among the groups gnomAD compares: Admixed American, 0.017%; no homozygotes.

Submission:

PreventionGenetics, part of Exact Sciences
Classification: Uncertain significance for TSHZ1-related condition. Last evaluated: 2022-09-08. Review status: criteria provided, single submitter. Criteria: ACMG Guidelines, 2015. Collection method: clinical testing. Allele origin: germline.
Comment: The TSHZ1 c.1904T>C variant is predicted to result in the amino acid substitution p.Phe635Ser. To our knowledge, this variant has not been reported in the literature. This variant is reported in 0.023% of alleles in individuals of Latino descent in gnomAD. Although we suspect that this variant may be benign, at this time, the clinical significance of this variant is uncertain due to the absence of conclusive functional and genetic evidence.

NM_001308210.2(TSHZ1):c.2039T>C (p.Phe680Ser)

Gene: TSHZ1 (teashirt zinc finger homeobox 1; plus strand). Cytogenetic location: 18q22.3.
Variant type: single nucleotide variant.
Coding change: c.2039T>C on transcript NM_001308210.2 (MANE Select); coding-DNA position 2039, T replaced by C.
Protein change: p.Phe680Ser; replaces phenylalanine 680 with serine.
Molecular consequence: missense variant.
Genome position (GRCh38, 1-based): chr18:75,287,446, T>C. VCF-style: chr18-75287446-T-C. GRCh37 (hg19) VCF-style: chr18-72999401-T-C.
Other names: c.1904T>C, p.Phe635Ser (NM_005786.6); short protein forms F635S, F680S.
Identifiers: ClinVar variation 2632009 (VCV002632009.1), dbSNP rs745717773, ClinGen allele CA9002194.
Genomic context (GRCh38, chr18:75,287,446, plus strand): 5'-AGAAGGAGAAGAGCTCCCTGGCCAAGGCTGCGTCCCCCATAGCAAAAGAGAATAAAGATT[T>C]CCCGAAAACGGAGGAAGTCAGCGGCAAACCACAGAAGAAGGGCCCTGAGGCCGAGACTGG-3'
Protein context (NP_001295139.1, residues 670-690): ASPIAKENKD[Phe680Ser]PKTEEVSGKP